The following is an entry in ClinVar:

NM_005562.3(LAMC2):c.2681G>A (p.Arg894His)

Gene: LAMC2 (laminin subunit gamma 2; plus strand). Cytogenetic location: 1q25.3.
Variant type: single nucleotide variant.
Coding change: c.2681G>A on transcript NM_005562.3 (MANE Select); coding-DNA position 2681, G replaced by A.
Protein change: p.Arg894His; replaces arginine 894 with histidine.
Molecular consequence: missense variant.
Genome position (GRCh38, 1-based): chr1:183,237,431, G>A. VCF-style: chr1-183237431-G-A. GRCh37 (hg19) VCF-style: chr1-183206566-G-A.
Other names: c.2681G>A, p.Arg894His (NM_018891.3); short protein forms R894H.
Identifiers: ClinVar variation 294011 (VCV000294011.11), dbSNP rs146907099, ClinGen allele CA1283019.
Genomic context (GRCh38, chr1:183,237,431, plus strand): 5'-TCAAACAAAAAGCGGATTCACTCTCAAGCCTGGTAACCAGGCATATGGATGAGTTCAAGC[G>A]TACACAGAAGAATCTGGGAAACTGGAAAGAAGAAGCACAGCAGCTCTTACAGAATGGAAA-3'
Protein context (NP_005553.2, residues 884-904): LVTRHMDEFK[Arg894His]TQKNLGNWKE

ClinVar aggregate classification (germline): Uncertain significance. Review status: criteria provided, multiple submitters, no conflicts (2 of 4 stars). 5 submissions from 5 submitters: Uncertain significance (5). Last evaluated 2026-02-22.

Conditions:
Junctional epidermolysis bullosa gravis of Herlitz. Also called: JEB-HERLITZ TYPE; EPIDERMOLYSIS BULLOSA JUNCTIONALIS, HERLITZ TYPE; EPIDERMOLYSIS BULLOSA, JUNCTIONAL, HERLITZ-PEARSON TYPE; Epidermolysis Bullosa Letalis; EPIDERMOLYSIS BULLOSA, JUNCTIONAL 1B, SEVERE; Herlitz-type junctional epidermolysis bullosa. Identifiers: Orphanet 79404, MedGen C0079683, MONDO:0009182, OMIM 226700.
Epidermolysis bullosa, junctional 3A, intermediate. Also called: EPIDERMOLYSIS BULLOSA, JUNCTIONAL 3A, GENERALIZED INTERMEDIATE; EPIDERMOLYSIS BULLOSA, JUNCTIONAL 3A, NON-HERLITZ TYPE. Identifiers: MedGen C5676938, MONDO:0030748, OMIM 619785.
Epidermolysis bullosa, junctional 3B, severe. Also called: EPIDERMOLYSIS BULLOSA, JUNCTIONAL 3B, GENERALIZED SEVERE; EPIDERMOLYSIS BULLOSA, JUNCTIONAL 3B, HERLITZ TYPE. Identifiers: MedGen C5676939, MONDO:0030749, OMIM 619786.
Junctional epidermolysis bullosa. Identifiers: Orphanet 305, MedGen C0079301, MONDO:0017612.
LAMC2-related disorder. Also called: LAMC2-related condition.

Allele frequency attached by ClinVar (database versions not stated): 1000 Genomes Project 30x 0.00016; 1000 Genomes Project 0.00020; ExAC 0.00044; gnomAD exomes 0.00047 and 0.00123; TOPMed 0.00077; gnomAD 0.00080 and 0.00081; ESP Exome Variant Server 0.00100.
gnomAD v4.1: 1,957 of 1,614,062 alleles (0.12%); highest among the groups gnomAD compares: Non-Finnish European, 0.15%; 4 homozygotes.

Submissions (5):

PreventionGenetics, part of Exact Sciences
Classification: Uncertain significance for LAMC2-related condition. Last evaluated: 2026-02-22. Review status: criteria provided, single submitter. Criteria: ACMG Guidelines, 2015. Collection method: clinical testing. Allele origin: germline.
Comment: The LAMC2 c.2681G>A variant is predicted to result in the amino acid substitution p.Arg894His. To our knowledge, this variant has not been reported in the literature. This variant is reported in 0.096% of alleles in individuals of European (Non-Finnish) descent in gnomAD, which is likely too common for an undocumented disease-causing variant. Although we suspect that this variant may be benign, at this time, the clinical significance of this variant is uncertain due to the absence of conclusive functional and genetic evidence.

Department of Pathology and Laboratory Medicine, Sinai Health System
Classification: Uncertain significance for Junctional epidermolysis bullosa gravis of Herlitz; Epidermolysis bullosa, junctional 3A, intermediate; Epidermolysis bullosa, junctional 3B, severe. Last evaluated: 2021-07-30. Review status: criteria provided, single submitter. Criteria: ACMG Guidelines, 2015. Collection method: research. Allele origin: germline.

Victorian Clinical Genetics Services, Murdoch Childrens Research Institute
Classification: Uncertain significance for Junctional epidermolysis bullosa. Last evaluated: 2019-08-28. Review status: criteria provided, single submitter. Criteria: ACMG Guidelines, 2015. Collection method: clinical testing. Allele origin: germline. Inheritance: Autosomal recessive inheritance. Affected: yes.
Comment: A heterozygous missense variant was identified, NM_005562.2(LAMC2):c.2681G>A in exon 18 of 23 of the LAMC2 gene. This substitution is predicted to create a minor amino acid change from an arginine to a histidine at position 894 of the protein, NP_005553.2(LAMC2):p.(Arg894His). The arginine at this position has low conservation (100 vertebrates, UCSC) and is located within the CCDC158 coiled-coil domain (NCBI). In silico software predicts this variant to be benign (PolyPhen, SIFT, CADD, MutationTaster) and the variant is present in the gnomAD population database at a frequency of 0.049% (138 heterozygotes; 0 homozygotes). In addition, this variant has been reported with uncertain significance in ClinVar. Based on information available at the time of curation, this variant has been classified as a VUS with LOW CLINICAL RELEVANCE.

Illumina Laboratory Services, Illumina
Classification: Uncertain significance for Junctional epidermolysis bullosa. Last evaluated: 2018-01-13. Review status: criteria provided, single submitter. Criteria: ICSL Variant Classification Criteria 13 December 2019. Collection method: clinical testing. Allele origin: germline.

Breakthrough Genomics
Classification: Uncertain significance. Review status: criteria provided, single submitter. Criteria: ACMG Guidelines, 2015. Collection method: not provided. Allele origin: germline. Inheritance: Autosomal recessive inheritance. Affected: yes.